The following is an entry in ClinVar:

ClinVar aggregate classification (germline): Conflicting classifications of pathogenicity. Review status: criteria provided, conflicting classifications (1 of 4 stars). 23 submissions from 23 submitters: Uncertain significance (1); Benign (8); Likely benign (11). 3 of the submissions do not count toward it. Last evaluated 2026-08-01.

Conditions:
Breast and/or ovarian cancer. Identifiers: MedGen CN221562.
Hereditary cancer-predisposing syndrome. Also called: Neoplastic Syndromes, Hereditary; Tumor predisposition; Hereditary neoplastic syndrome; Hereditary Cancer Syndrome. Identifiers: Orphanet 140162, MedGen C0027672, MeSH D009386, MONDO:0015356.
Ataxia-telangiectasia syndrome (AT). Also called: Ataxia-telangiectasia, complementation group D; AT, COMPLEMENTATION GROUP C; Ataxia telangiectasia (A-T); LOUIS-BAR SYNDROME; Cerebello-oculocutaneous telangiectasia; Immunodeficiency with ataxia telangiectasia. Identifiers: Orphanet 100, MedGen C0004135, MONDO:0008840, OMIM 208900.
Familial cancer of breast. Also called: Hereditary breast cancer; hereditary breast carcinoma; BREAST CANCER, FAMILIAL. Identifiers: Orphanet 227535, MedGen C0346153, MONDO:0016419, OMIM 114480. Disease mechanism: loss of function.

Allele frequency attached by ClinVar (database versions not stated): 1000 Genomes Project 30x 0.00094; 1000 Genomes Project 0.00100; ESP Exome Variant Server 0.00115; TOPMed 0.00138; ExAC 0.00145; gnomAD exomes 0.00147 and 0.00191; gnomAD 0.00165 and 0.00166.
gnomAD v4.1: 3,072 of 1,613,592 alleles (0.19%); highest among the groups gnomAD compares: Non-Finnish European, 0.23%; 3 homozygotes.

Submissions (23):

CeGaT Center for Human Genetics Tuebingen
Classification: Likely benign. Last evaluated: 2026-08-01. Review status: criteria provided, single submitter. Criteria: CeGaT Center For Human Genetics Tuebingen Variant Classification Criteria Version 2. Collection method: clinical testing. Allele origin: germline. Affected: yes. Observed: 34 variant alleles.
Comment: ATM: BP4, BS1

Labcorp Genetics (formerly Invitae), Labcorp
Classification: Benign for Ataxia-telangiectasia syndrome. Last evaluated: 2026-02-04. Review status: criteria provided, single submitter. Criteria: Invitae Variant Classification Sherloc (09022015). Collection method: clinical testing. Allele origin: germline.

ARUP Laboratories, Molecular Genetics and Genomics, ARUP Laboratories
Classification: Benign. Last evaluated: 2025-07-21. Review status: criteria provided, single submitter. Criteria: ARUP Molecular Germline Variant Investigation Process 2024. Collection method: clinical testing. Allele origin: germline.

Mayo Clinic Laboratories, Mayo Clinic
Classification: Likely benign. Last evaluated: 2025-03-24. Review status: criteria provided, single submitter. Criteria: ACMG Guidelines, 2015. Collection method: clinical testing. Allele origin: germline. Observed: 13 variant alleles.
Comment: BS1, BP4, BP7

Center for Genomic Medicine, Rigshospitalet, Copenhagen University Hospital
Classification: Likely benign. Last evaluated: 2025-03-04. Review status: criteria provided, single submitter. Criteria: ACMG Guidelines, 2015. Collection method: clinical testing. Allele origin: germline.

Blueprint Genetics
Classification: Likely benign. Last evaluated: 2024-11-23. Review status: criteria provided, single submitter. Criteria: ACMG Guidelines, 2015. Collection method: clinical testing. Allele origin: germline.

Myriad Genetics, Inc.
Classification: Benign for Familial cancer of breast. Last evaluated: 2024-04-22. Review status: criteria provided, single submitter. Criteria: Myriad Autosomal Dominant, Autosomal Recessive and X-Linked Classification Criteria (2023). Collection method: clinical testing. Allele origin: unknown.
Comment: This variant is considered benign. This variant is a silent/synonymous amino acid change and it is not expected to impact splicing.

KCCC/NGS Laboratory, Kuwait Cancer Control Center
Classification: Benign for Familial cancer of breast. Last evaluated: 2023-07-07. Review status: criteria provided, single submitter. Criteria: ACMG Guidelines, 2015. Collection method: clinical testing. Allele origin: germline. Affected: yes.

CHEO Genetics Diagnostic Laboratory, Children's Hospital of Eastern Ontario
Classification: Likely benign for Breast and/or ovarian cancer. Last evaluated: 2023-04-27. Review status: criteria provided, single submitter. Criteria: ACMG Guidelines, 2015. Collection method: clinical testing. Allele origin: germline.

Quest Diagnostics Nichols Institute San Juan Capistrano
Classification: Benign. Last evaluated: 2023-02-08. Review status: criteria provided, single submitter. Criteria: Quest Diagnostics criteria. Collection method: clinical testing. Allele origin: unknown.

Sema4
Classification: Likely benign for Hereditary cancer-predisposing syndrome. Last evaluated: 2021-05-20. Review status: criteria provided, single submitter. Criteria: Sema4 Curation Guidelines. Collection method: curation. Allele origin: germline.

Spanish ATM Cancer Susceptibility Variant Interpretation Working Group
Classification: Likely benign for Hereditary cancer-predisposing syndrome. Last evaluated: 2020-06-17. Review status: criteria provided, single submitter. Criteria: Feliubadaló L et al. (Clin Chem 2021). Collection method: clinical testing. Allele origin: germline. Affected: yes. Observed: 14 heterozygotes. Clinical features observed: Fallopian tube cancer, Breast carcinoma, Cancer of the pancreas, Melanoma of skin, Ovarian serous tumor, Lymphoma, Ovarian cancer, Adenomas, multiple colorectal, Bilateral breast cancer, Endometrial carcinoma.
Comment: The c.609C>T p.(Asp203=) variant has an allele frequency of 0.00238 (0.23%, 281/ 117988 alleles) in the Non-Finnish European population of the gnomAD v2.1.1 non-cancer dataset (BS1). It is a silent variant not predicted to lead to a splicing alteration according to SPiCE, and no splicing site is created or activated according to at least 3 splicing predictors of the set SpliceSiteFinderlike - MaxEntScan - NNSplice - GeneSplicer (BP4). The variant is located at a nucleotide that is not highly conserved across species, based on PhyloP (BP7). Therefore, this variant meets criteria to be classified as likely benign. Adapted ACMG/AMP rules applied as defined by the Spanish ATM working group: BS1 + BP4 + BP7 (PMID: 33280026).

Genetic Services Laboratory, University of Chicago
Classification: Likely benign. Last evaluated: 2020-04-23. Review status: criteria provided, single submitter. Criteria: ACMG Guidelines, 2015. Collection method: clinical testing. Allele origin: germline. Affected: no.

Mendelics
Classification: Likely benign for Ataxia-telangiectasia syndrome. Last evaluated: 2019-05-28. Review status: criteria provided, single submitter. Criteria: Mendelics Assertion Criteria 2017. Collection method: clinical testing. Allele origin: unknown.

Athena Diagnostics
Classification: Benign. Last evaluated: 2019-01-10. Review status: criteria provided, single submitter. Criteria: Athena Diagnostics Criteria. Collection method: clinical testing. Allele origin: germline.

Illumina Laboratory Services, Illumina
Classification: Uncertain significance for Ataxia-telangiectasia syndrome. Last evaluated: 2017-04-27. Review status: criteria provided, single submitter. Criteria: ICSL Variant Classification Criteria 13 December 2019. Collection method: clinical testing. Allele origin: germline.

Color Diagnostics, LLC DBA Color Health
Classification: Benign for Hereditary cancer-predisposing syndrome. Last evaluated: 2016-04-18. Review status: criteria provided, single submitter. Criteria: ACMG Guidelines, 2015. Collection method: clinical testing. Allele origin: germline.

Ambry Genetics
Classification: Likely benign for Hereditary cancer-predisposing syndrome. Last evaluated: 2014-06-27. Review status: criteria provided, single submitter. Criteria: Ambry Variant Classification Scheme 2023. Collection method: clinical testing. Allele origin: germline.

GeneDx
Classification: Benign. Last evaluated: 2014-01-20. Review status: criteria provided, single submitter. Criteria: GeneDx Variant Classification (06012015). Collection method: clinical testing. Allele origin: germline. Affected: yes.
Comment: This variant is considered likely benign or benign based on one or more of the following criteria: it is a conservative change, it occurs at a poorly conserved position in the protein, it is predicted to be benign by multiple in silico algorithms, and/or has population frequency not consistent with disease.

PreventionGenetics, part of Exact Sciences
Classification: Likely benign. Review status: criteria provided, single submitter. Criteria: ACMG Guidelines, 2015. Collection method: clinical testing. Allele origin: germline.

True Health Diagnostics
Classification: Likely benign for Hereditary cancer-predisposing syndrome. Last evaluated: 2017-10-30. Review status: no assertion criteria provided. Collection method: clinical testing. Allele origin: germline. Not counted in ClinVar's aggregate classification.

Counsyl
Classification: Likely benign for Ataxia-telangiectasia syndrome. Last evaluated: 2017-08-09. Review status: no assertion criteria provided. Collection method: clinical testing. Allele origin: unknown. Not counted in ClinVar's aggregate classification.

Department of Pathology and Laboratory Medicine, Sinai Health System
Classification: Likely benign. Review status: no assertion criteria provided. Collection method: clinical testing. Allele origin: unknown. Affected: yes. Study: The Canadian Open Genetics Repository (COGR). Not counted in ClinVar's aggregate classification.
Comment: The ATM p.Asp203= variant was not identified in the literature nor was it identified in COGR, MutDB, LOVD 3.0, or ATM-LOVD. The variant was identified in dbSNP (ID: rs144709948) as â€šÃ„ÃºWith other alleleâ€šÃ„Ã¹, in ClinVar (4x as likely benign by Ambry Genetics, PreventionGenetics, and the University Midical Center Groningen and 3x as benign by Invitae, GeneDx, and Color Genomics). The variant was also listed the Cosmic database (1x in Acute myeloid leukemia). The variant was identified in control databases in 397 of 276884 chromosomes at a frequency of 0.001 increasing the likelihood this could be a low frequency benign variant (Genome Aggregation Database Feb 27, 2017). Breakdown of the observations by population include African in 12 of 24010 chromosomes (freq: 0.0005), Other in 15 of 6446 chromosomes (freq: 0.002), Latino in 33 of 34358 chromosomes (freq: 0.001), European Non-Finnish in 286 of 126536 chromosomes (freq: 0.002), Ashkenazi Jewish in 5 of 10148 chromosomes (freq: 0.0005), European Finnish in 36 of 25754 chromosomes (freq: 0.001), and South Asian in 10 of 30778 chromosomes (freq: 0.0003) while the variant was not observed in the East Asian, populations. The p.Asp203= variant is not expected to have clinical significance because it does not result in a change of amino acid and is not located in a known consensus splice site. In addition, in silico or computational prediction software programs (SpliceSiteFinder, MaxEntScan, NNSPLICE, GeneSplicer, HumanSpliceFinder) do not predict a difference in splicing. In summary, based on the above information the clinical significance of this variant cannot be determined with certainty at this time although we would lean towards a more benign role for this variant. This variant is classified as likely benign.

Literature cited by the submitters: PubMed 11996792 (cited by Quest Diagnostics Nichols Institute San Juan Capistrano and Athena Diagnostics); PubMed 33280026 (cited by Quest Diagnostics Nichols Institute San Juan Capistrano); PubMed 21933854 (cited by Quest Diagnostics Nichols Institute San Juan Capistrano and Athena Diagnostics); PubMed 26635394 (cited by Counsyl).

NM_000051.4(ATM):c.609C>T (p.Asp203=)

Gene: ATM (ATM serine/threonine kinase; plus strand). Cytogenetic location: 11q22.3.
Variant type: single nucleotide variant.
Coding change: c.609C>T on transcript NM_000051.4 (MANE Select); coding-DNA position 609, C replaced by T.
Protein change: p.Asp203=; no amino-acid change (aspartic acid 203 retained).
Molecular consequence: synonymous variant.
Genome position (GRCh38, 1-based): chr11:108,244,065, C>T. VCF-style: chr11-108244065-C-T. GRCh37 (hg19) VCF-style: chr11-108114792-C-T.
Other names: p.D203D:GAC>GAT; p.Asp203=; c.609C>T, p.Asp203= (NM_001351834.2).
Identifiers: ClinVar variation 135764 (VCV000135764.91), dbSNP rs144709948, ClinGen allele CA289529.
Genomic context (GRCh38, chr11:108,244,065, plus strand): 5'-TAGAGTTTTAGTGGCTAGAATAATTCATGCTGTTACCAAAGGATGCTGTTCTCAGACTGA[C>T]GGATTAAATTCCAAATTTTTGGACTTTTTTTCCAAGGCTATTCAGTGTGCGAGGTAATCT-3'
Protein context (NP_000042.3, residues 193-213): AVTKGCCSQT[Asp203=]GLNSKFLDFF